The following is an entry in ClinVar:

NM_000152.5(GAA):c.2431C>A (p.Leu811Met)

Gene: GAA (alpha glucosidase; plus strand). Cytogenetic location: 17q25.3.
Variant type: single nucleotide variant.
Coding change: c.2431C>A on transcript NM_000152.5 (MANE Select); coding-DNA position 2431, C replaced by A.
Protein change: p.Leu811Met; replaces leucine 811 with methionine.
Molecular consequence: missense variant.
Genome position (GRCh38, 1-based): chr17:80,117,699, C>A. VCF-style: chr17-80117699-C-A. GRCh37 (hg19) VCF-style: chr17-78091498-C-A.
Other names: c.2431C>A, p.Leu811Met (NM_001079803.3, NM_001079804.3, NM_001406741.1 and 1 more transcripts); short protein forms L811M.
Identifiers: ClinVar variation 4027636 (VCV004027636.1).

ClinVar aggregate classification (germline): Uncertain significance (1 of 4 stars; one submission).

Conditions:
Cardiovascular phenotype. Identifiers: MedGen CN230736.

Submission:

Ambry Genetics
Classification: Uncertain significance for Cardiovascular phenotype. Last evaluated: 2025-05-03. Review status: criteria provided, single submitter. Criteria: Ambry Variant Classification Scheme 2023. Collection method: clinical testing. Allele origin: germline.
Comment: The p.L811M variant (also known as c.2431C>A), located in coding exon 16 of the GAA gene, results from a C to A substitution at nucleotide position 2431. The leucine at codon 811 is replaced by methionine, an amino acid with highly similar properties. This amino acid position is conserved. In addition, the in silico prediction for this alteration is inconclusive. Based on the available evidence, the clinical significance of this variant remains unclear.